The following is an entry in ClinVar:

ClinVar aggregate classification (germline): Uncertain significance (0 of 4 stars; one submission).

Submission:

Department of Pathology and Laboratory Medicine, Sinai Health System
Classification: Uncertain significance. Review status: no assertion criteria provided. Collection method: clinical testing. Allele origin: unknown. Affected: yes. Study: The Canadian Open Genetics Repository (COGR).
Comment: The ASXL3 p.Ser1167Phe variant was not identified in the literature nor was it identified in dbSNP, ClinVar or in the following control databases: the 1000 Genomes Project, the NHLBI GO Exome Sequencing Project, or the Genome Aggregation Database (March 6, 2019, v2.1.1). The p.Ser1167 residue is conserved across mammals and other organisms, and computational analyses (PolyPhen-2, SIFT, AlignGVGD, BLOSUM, MutationTaster) suggest that the variant may impact the protein; however, this information is not predictive enough to assume pathogenicity. The variant occurs outside of the splicing consensus sequence and in silico or computational prediction software programs (SpliceSiteFinder, MaxEntScan, NNSPLICE, GeneSplicer) do not predict a difference in splicing. In summary, based on the above information the clinical significance of this variant cannot be determined with certainty at this time. This variant is classified as a variant of uncertain significance.

NM_030632.3(ASXL3):c.3500C>T (p.Ser1167Phe)

Gene: ASXL3 (ASXL transcriptional regulator 3; plus strand). Cytogenetic location: 18q12.1.
Variant type: single nucleotide variant.
Coding change: c.3500C>T on transcript NM_030632.3 (MANE Select); coding-DNA position 3500, C replaced by T.
Protein change: p.Ser1167Phe; replaces serine 1167 with phenylalanine.
Molecular consequence: missense variant.
Genome position (GRCh38, 1-based): chr18:33,743,348, C>T. VCF-style: chr18-33743348-C-T. GRCh37 (hg19) VCF-style: chr18-31323312-C-T.
Other names: short protein forms S1167F.
Identifiers: ClinVar variation 1050573 (VCV001050573.1), dbSNP rs2067699917, ClinGen allele CA402185475.
Genomic context (GRCh38, chr18:33,743,348, plus strand): 5'-CCCCTGAAACAAAAATGGAAGGTTCGACTGGTGTCATTATTGTCAATCCAAACTGTAGAT[C>T]TCCTAGCAACAAGTCTGCCCACCTCCGGGAGACCACCACTGTACTACAGCAGTCTCTTAA-3'
Protein context (NP_085135.1, residues 1157-1177): GVIIVNPNCR[Ser1167Phe]PSNKSAHLRE